The following is an entry in ClinVar:

ClinVar aggregate classification (germline): Uncertain significance (1 of 4 stars; one submission).

Conditions:
Combined immunodeficiency due to LRBA deficiency. Also called: Common variable immunodeficiency 8, with autoimmunity. Identifiers: Orphanet 445018, MedGen C3553512, MONDO:0013863, OMIM 614700.

Allele frequency attached by ClinVar (database versions not stated): TOPMed 0.00001.
gnomAD v4.1: 16 of 1,611,548 alleles (0.00099%); highest among the groups gnomAD compares: Non-Finnish European, 0.0014%; no homozygotes.

Submission:

Labcorp Genetics (formerly Invitae), Labcorp
Classification: Uncertain significance for Combined immunodeficiency due to LRBA deficiency. Last evaluated: 2018-01-29. Review status: criteria provided, single submitter. Criteria: Invitae Variant Classification Sherloc (09022015). Collection method: clinical testing. Allele origin: germline.
Comment: This variant has not been reported in the literature in individuals with LRBA-related disease. This variant is not present in population databases (ExAC no frequency). This sequence change replaces glycine with valine at codon 18 of the LRBA protein (p.Gly18Val). The glycine residue is weakly conserved and there is a moderate physicochemical difference between glycine and valine. Algorithms developed to predict the effect of missense changes on protein structure and function do not agree on the potential impact of this missense change (SIFT: "Tolerated"; PolyPhen-2: "Probably Damaging"; Align-GVGD: "Class C0"). In summary, the available evidence is currently insufficient to determine the role of this variant in disease. Therefore, it has been classified as a Variant of Uncertain Significance.

NM_001364905.1(LRBA):c.53G>T (p.Gly18Val)

Gene: LRBA (LPS responsive beige-like anchor protein; minus strand). Cytogenetic location: 4q31.3.
Variant type: single nucleotide variant.
Coding change: c.53G>T on transcript NM_001364905.1 (MANE Select); coding-DNA position 53, G replaced by T.
Protein change: p.Gly18Val; replaces glycine 18 with valine.
Molecular consequence: missense variant.
Genome position (GRCh38, 1-based): chr4:151,014,590, C>A on the plus strand (G>T on the coding strand, the complement: LRBA is on the minus strand). VCF-style: chr4-151014590-C-A. GRCh37 (hg19) VCF-style: chr4-151935742-C-A.
Other names: c.53G>T, p.Gly18Val (NM_001199282.3, NM_001367550.1, NM_006726.5); short protein forms G18V.
Identifiers: ClinVar variation 570766 (VCV000570766.8), dbSNP rs749860824, ClinGen allele CA108439383.